The following is an entry in ClinVar:

ClinVar aggregate classification (germline): Likely pathogenic. Review status: criteria provided, multiple submitters, no conflicts (2 of 4 stars). 3 submissions from 3 submitters: Likely pathogenic (2). 1 of the submissions does not count toward it. Last evaluated 2026-03-07.

Conditions:
Retinitis pigmentosa 73 (RP73). Identifiers: Orphanet 791, MedGen C4225287, MONDO:0014687, OMIM 616544.
Mucopolysaccharidosis, MPS-III-C (MPS3C). Also called: MPS IIIC (Sanfilippo Syndrome Type C); MUCOPOLYSACCHARIDOSIS, TYPE IIIC; Mucopolysaccharidosis type IIIC (Sanfilippo C); mucopolysaccharidosis type 3C; SANFILIPPO SYNDROME C; MPS III C. Identifiers: Orphanet 581, Orphanet 79271, MedGen C0086649, MONDO:0009657, OMIM 252930.

Allele frequency attached by ClinVar (database versions not stated): gnomAD exomes below 0.00001.
gnomAD v4.1: 5 of 1,588,888 alleles (0.00031%); highest among the groups gnomAD compares: South Asian, 0.0057%; no homozygotes.

Submissions (3):

Kasturba Medical College, Manipal, Kasturba Medical College, Manipal, Manipal Academy of Higher Education, Manipal, India
Classification: Likely pathogenic for Mucopolysaccharidosis, MPS-III-C. Last evaluated: 2026-03-07. Review status: criteria provided, single submitter. Criteria: ACMG Guidelines, 2015. Collection method: research. Allele origin: biparental. Inheritance: Autosomal recessive inheritance. Affected: yes. Observed: 1 variant allele, 1 homozygote.
Comment: The variant c.743G>C has been observed in heterozygous state in five individuals in gnomAD (v4.0) population database (allele frequency: 0.000003147). This variant is absent in our in-house data of 4019 exomes. In-silico analysis tools (REVEL and CADD) predicts the variant to be disease-causing and likely to affect the HGSNAT protein function. Also, spliceAI predicts (delta score of 0.73 for donar gain) splicing defect for the variant which may either trigger nonsense-mediated mRNA decay or result in a truncated protein product.

Labcorp Genetics (formerly Invitae), Labcorp
Classification: Likely pathogenic for Retinitis pigmentosa 73; Mucopolysaccharidosis, MPS-III-C. Last evaluated: 2025-03-17. Review status: criteria provided, single submitter. Criteria: Invitae Variant Classification Sherloc (09022015). Collection method: clinical testing. Allele origin: germline.
Comment: This sequence change replaces glycine, which is neutral and non-polar, with alanine, which is neutral and non-polar, at codon 248 of the HGSNAT protein (p.Gly248Ala). This variant also falls at the last nucleotide of exon 7, which is part of the consensus splice site for this exon. This variant is present in population databases (no rsID available, gnomAD 0.004%). This missense change has been observed in individuals with clinical features of retinitis pigmentosa (PMID: 32770643; internal data). ClinVar contains an entry for this variant (Variation ID: 974592). An algorithm developed to predict the effect of missense changes on protein structure and function (PolyPhen-2) suggests that this variant is likely to be disruptive. Variants that disrupt the consensus splice site are a relatively common cause of aberrant splicing (PMID: 17576681, 9536098). Algorithms developed to predict the effect of sequence changes on RNA splicing suggest that this variant may disrupt the consensus splice site. This variant disrupts the c.743G nucleotide in the HGSNAT gene. Other variant(s) that disrupt this nucleotide have been determined to be pathogenic (PMID: 38613342). This suggests that this nucleotide is clinically significant, and that variants that disrupt this position are likely to be disease-causing. In summary, the currently available evidence indicates that the variant is pathogenic, but additional data are needed to prove that conclusively. Therefore, this variant has been classified as Likely Pathogenic.

Inherited Eye Disorders lab, UCL Institute of Ophthalmology
Classification: Likely pathogenic for Retinitis pigmentosa 73. Last evaluated: 2020-07-01. Review status: no assertion criteria provided. Collection method: clinical testing. Allele origin: inherited. Inheritance: Autosomal recessive inheritance. Affected: yes. Not counted in ClinVar's aggregate classification.

Literature cited by the submitters: PMC PMC8125330 (cited by Kasturba Medical College, Manipal, Kasturba Medical College, Manipal, Manipal Academy of Higher Education, Manipal, India); PubMed 32770643 (cited by Labcorp Genetics (formerly Invitae), Labcorp); PubMed 17576681 (cited by Labcorp Genetics (formerly Invitae), Labcorp); PubMed 9536098 (cited by Labcorp Genetics (formerly Invitae), Labcorp); PubMed 38613342 (cited by Labcorp Genetics (formerly Invitae), Labcorp).

NM_152419.3(HGSNAT):c.743G>C (p.Gly248Ala)

Gene: HGSNAT (heparan-alpha-glucosaminide N-acetyltransferase; plus strand). Cytogenetic location: 8p11.21.
Variant type: single nucleotide variant.
Coding change: c.743G>C on transcript NM_152419.3 (MANE Select); coding-DNA position 743, G replaced by C.
Protein change: p.Gly248Ala; replaces glycine 248 with alanine.
Molecular consequence: missense variant. On other transcripts: 5 prime UTR variant (1).
Genome position (GRCh38, 1-based): chr8:43,170,694, G>C. VCF-style: chr8-43170694-G-C. GRCh37 (hg19) VCF-style: chr8-43025837-G-C.
Other names: c.743G>C, p.Gly248Ala (NM_001363227.2, NM_001363228.2); c.-91G>C (NM_001363229.2); short protein forms G248A.
Identifiers: ClinVar variation 974592 (VCV000974592.7), dbSNP rs1324238938, ClinGen allele CA371116277.